The following is an entry in ClinVar:

NM_002087.4(GRN):c.546G>A (p.Thr182=)

Gene: GRN (granulin precursor; plus strand). Cytogenetic location: 17q21.31.
Variant type: single nucleotide variant.
Coding change: c.546G>A on transcript NM_002087.4 (MANE Select); coding-DNA position 546, G replaced by A.
Protein change: p.Thr182=; no amino-acid change (threonine 182 retained).
Molecular consequence: synonymous variant.
Genome position (GRCh38, 1-based): chr17:44,350,525, G>A. VCF-style: chr17-44350525-G-A. GRCh37 (hg19) VCF-style: chr17-42427893-G-A.
Identifiers: ClinVar variation 258552 (VCV000258552.25), dbSNP rs138473783, ClinGen allele CA8601926.

ClinVar aggregate classification (germline): Benign/Likely benign. Review status: criteria provided, multiple submitters, no conflicts (2 of 4 stars). 8 submissions from 8 submitters: Benign (2); Likely benign (5). 1 of the submissions does not count toward it. Last evaluated 2026-02-01.

Conditions:
GRN-related frontotemporal lobar degeneration with Tdp43 inclusions (FTD2). Also called: DEMENTIA, HEREDITARY DYSPHASIC DISINHIBITION; FRONTOTEMPORAL LOBAR DEGENERATION WITH UBIQUITIN-POSITIVE INCLUSIONS; FTLD-TDP, GRN-RELATED; GRN Frontotemporal Dementia; FRONTOTEMPORAL DEMENTIA WITH TDP43 INCLUSIONS, GRN-RELATED. Identifiers: Orphanet 100070, Orphanet 282, MedGen C1843792, MONDO:0011842, OMIM 607485. Disease mechanism: loss of function.
Inborn genetic diseases. Identifiers: MedGen C0950123, MeSH D030342.
Neuronal ceroid lipofuscinosis 11. Also called: GRN-Related Neuronal Ceroid-Lipofuscinosis. Identifiers: Orphanet 314629, Orphanet 79262, MedGen C3539123, MONDO:0013866, OMIM 614706.
GRN-related disorder. Also called: GRN-related disorders; GRN-related condition.

Allele frequency attached by ClinVar (database versions not stated): gnomAD exomes 0.00031 and 0.00088; ExAC 0.00104; 1000 Genomes Project 0.00240; 1000 Genomes Project 30x 0.00250; ESP Exome Variant Server 0.00277; gnomAD 0.00310 and 0.00335; TOPMed 0.00351.

Submissions (8):

Labcorp Genetics (formerly Invitae), Labcorp
Classification: Benign for Neuronal ceroid lipofuscinosis 11; GRN-related frontotemporal lobar degeneration with Tdp43 inclusions. Last evaluated: 2026-02-01. Review status: criteria provided, single submitter. Criteria: Invitae Variant Classification Sherloc (09022015). Collection method: clinical testing. Allele origin: germline.

Blueprint Genetics
Classification: Likely benign. Last evaluated: 2024-10-17. Review status: criteria provided, single submitter. Criteria: ACMG Guidelines, 2015. Collection method: clinical testing. Allele origin: germline.

GeneDx
Classification: Likely benign. Last evaluated: 2021-10-18. Review status: criteria provided, single submitter. Criteria: GeneDx Variant Classification Process June 2021. Collection method: clinical testing. Allele origin: germline. Affected: yes.

Athena Diagnostics
Classification: Benign for GRN-related frontotemporal lobar degeneration with Tdp43 inclusions. Last evaluated: 2017-06-20. Review status: criteria provided, single submitter. Criteria: Athena Diagnostics Criteria. Collection method: clinical testing. Allele origin: germline.

Illumina Laboratory Services, Illumina
Classification: Likely benign for GRN-related frontotemporal lobar degeneration with Tdp43 inclusions. Last evaluated: 2017-04-27. Review status: criteria provided, single submitter. Criteria: ICSL Variant Classification Criteria 13 December 2019. Collection method: clinical testing. Allele origin: germline.
Comment: This variant was observed as part of a predisposition screen in an ostensibly healthy population. A literature search was performed for the gene, cDNA change, and amino acid change (where applicable). Publications were found based on this search. The evidence from the literature, in combination with allele frequency data from public databases where available, was sufficient to determine this variant is unlikely to cause disease. Therefore, this variant is classified as likely benign.

Ambry Genetics
Classification: Likely benign for Inborn genetic diseases. Last evaluated: 2016-05-19. Review status: criteria provided, single submitter. Criteria: Ambry Variant Classification Scheme 2023. Collection method: clinical testing. Allele origin: germline.

Breakthrough Genomics
Classification: Likely benign. Review status: criteria provided, single submitter. Criteria: ACMG Guidelines, 2015. Collection method: not provided. Allele origin: germline. Inheritance: Autosomal recessive inheritance. Affected: yes.

PreventionGenetics, part of Exact Sciences
Classification: Benign for GRN-related condition. Last evaluated: 2019-06-14. Review status: no assertion criteria provided. Collection method: clinical testing. Allele origin: germline. Not counted in ClinVar's aggregate classification.
Comment: This variant is classified as benign based on ACMG/AMP sequence variant interpretation guidelines (Richards et al. 2015 PMID: 25741868, with internal and published modifications).

Literature cited by the submitters: PubMed 20020531 (cited by Athena Diagnostics and Illumina Laboratory Services, Illumina).